The following is an entry in ClinVar:

ClinVar aggregate classification (germline): Benign. Review status: criteria provided, multiple submitters, no conflicts (2 of 4 stars). 2 submissions from 2 submitters: Benign (2). Last evaluated 2018-06-19.

Allele frequency attached by ClinVar (database versions not stated): TOPMed 0.18637; gnomAD exomes 0.19312; gnomAD 0.19353 and 0.19769; 1000 Genomes Project 30x 0.20425; 1000 Genomes Project 0.21186.
gnomAD v4.1: 268,409 of 1,384,682 alleles (19%); highest among the groups gnomAD compares: East Asian, 30%; 27,466 homozygotes.

Submissions (2):

GeneDx
Classification: Benign. Last evaluated: 2018-06-19. Review status: criteria provided, single submitter. Criteria: GeneDx Variant Classification (06012015). Collection method: clinical testing. Allele origin: germline. Affected: yes.
Comment: This variant is considered likely benign or benign based on one or more of the following criteria: it is a conservative change, it occurs at a poorly conserved position in the protein, it is predicted to be benign by multiple in silico algorithms, and/or has population frequency not consistent with disease.

Breakthrough Genomics
Classification: Benign. Review status: criteria provided, single submitter. Criteria: ACMG Guidelines, 2015. Collection method: not provided. Allele origin: germline. Inheritance: Unknown mechanism. Affected: yes.

NM_001032283.3(TMPO):c.280-102A>G

Gene: TMPO (thymopoietin; plus strand). Cytogenetic location: 12q23.1.
Variant type: single nucleotide variant.
Coding change: c.280-102A>G on transcript NM_001032283.3 (MANE Select); 102 bases into the intron before coding-DNA position 280, A replaced by G.
Molecular consequence: intron variant.
Genome position (GRCh38, 1-based): chr12:98,527,784, A>G. VCF-style: chr12-98527784-A-G. GRCh37 (hg19) VCF-style: chr12-98921562-A-G.
Other names: c.280-102A>G (NM_003276.2, NM_001307975.2, NM_001032284.3).
Identifiers: ClinVar variation 673084 (VCV000673084.2), dbSNP rs35124796, ClinGen allele CA15752432.